The following is an entry in ClinVar:

ClinVar aggregate classification (germline): Pathogenic/Likely pathogenic. Review status: criteria provided, multiple submitters, no conflicts (2 of 4 stars). 2 submissions from 2 submitters: Pathogenic (1); Likely pathogenic (1). Last evaluated 2024-01-21.

Submissions (2):

Labcorp Genetics (formerly Invitae), Labcorp
Classification: Pathogenic. Last evaluated: 2024-01-21. Review status: criteria provided, single submitter. Criteria: Invitae Variant Classification Sherloc (09022015). Collection method: clinical testing. Allele origin: germline.
Comment: This sequence change affects a donor splice site in intron 20 of the PHEX gene. It is expected to disrupt RNA splicing. Variants that disrupt the donor or acceptor splice site typically lead to a loss of protein function (PMID: 16199547), and loss-of-function variants in PHEX are known to be pathogenic (PMID: 9097956, 9106524, 19219621). This variant is not present in population databases (gnomAD no frequency). Disruption of this splice site has been observed in individuals with hypophosphatemia (Invitae). ClinVar contains an entry for this variant (Variation ID: 373764). Algorithms developed to predict the effect of sequence changes on RNA splicing suggest that this variant may disrupt the consensus splice site. For these reasons, this variant has been classified as Pathogenic.

GeneDx
Classification: Likely pathogenic. Last evaluated: 2016-11-30. Review status: criteria provided, single submitter. Criteria: GeneDx Variant Classification (06012015). Collection method: clinical testing. Allele origin: germline. Affected: yes.
Comment: The c.2070+1 G>A splice site variant in the PHEX gene has not been published as a pathogenic variant, nor has it been reported as a benign variant to our knowledge. The variant destroys the canonical splice donor site in intron 20; however, the adjacent exon 20 remains in frame. In the absence of RNA/functional studies, the actual effect of this sequence change is unknown. The variant was not observed in approximately 6,500 individuals of European and African American ancestry in the NHLBI Exome Sequencing Project, indicating it is not a common benign variant in these populations. Therefore, this variant is likely pathogenic; however, the possibility it is benign cannot be excluded.

Literature cited by the submitters: PubMed 16199547 (cited by Labcorp Genetics (formerly Invitae), Labcorp); PubMed 9097956 (cited by Labcorp Genetics (formerly Invitae), Labcorp); PubMed 9106524 (cited by Labcorp Genetics (formerly Invitae), Labcorp); PubMed 19219621 (cited by Labcorp Genetics (formerly Invitae), Labcorp).

NM_000444.6(PHEX):c.2070+1G>A

Genes: PHEX (phosphate regulating endopeptidase X-linked; plus strand), PTCHD1-AS (PTCHD1 and PHEX antisense RNA; minus strand). Cytogenetic location: Xp22.11.
Variant type: single nucleotide variant.
Coding change: c.2070+1G>A on transcript NM_000444.6 (MANE Select); the canonical splice donor site of the intron after coding-DNA position 2070, G replaced by A.
Molecular consequence: splice donor variant. On other transcripts: non-coding transcript variant (1).
Genome position (GRCh38, 1-based): chrX:22,227,612, G>A. VCF-style: chrX-22227612-G-A. GRCh37 (hg19) VCF-style: chrX-22245729-G-A.
Other names: c.2070+1G>A (NM_001282754.2).
Identifiers: ClinVar variation 373764 (VCV000373764.10), dbSNP rs1057518596, ClinGen allele CA16043248.